The following is an entry in ClinVar:

ClinVar aggregate classification (germline): Uncertain significance (1 of 4 stars; one submission).

Submission:

Labcorp Genetics (formerly Invitae), Labcorp
Classification: Uncertain significance. Last evaluated: 2025-10-23. Review status: criteria provided, single submitter. Criteria: Invitae Variant Classification Sherloc (09022015). Collection method: clinical testing. Allele origin: germline.
Comment: This sequence change replaces glutamine, which is neutral and polar, with histidine, which is basic and polar, at codon 757 of the GLIS3 protein (p.Gln757His). This variant is not present in population databases (gnomAD no frequency). This variant has not been reported in the literature in individuals affected with GLIS3-related conditions. An algorithm developed to predict the effect of missense changes on protein structure and function (PolyPhen-2) suggests that this variant is likely to be disruptive. In summary, the available evidence is currently insufficient to determine the role of this variant in disease. Therefore, it has been classified as a Variant of Uncertain Significance.

NM_001042413.2(GLIS3):c.2736G>C (p.Gln912His)

Gene: GLIS3 (GLIS family zinc finger 3; minus strand). Cytogenetic location: 9p24.2.
Variant type: single nucleotide variant.
Coding change: c.2736G>C on transcript NM_001042413.2 (MANE Select); coding-DNA position 2736, G replaced by C.
Protein change: p.Gln912His; replaces glutamine 912 with histidine.
Molecular consequence: missense variant.
Genome position (GRCh38, 1-based): chr9:3,828,329, C>G on the plus strand (G>C on the coding strand, the complement: GLIS3 is on the minus strand). VCF-style: chr9-3828329-C-G. GRCh37 (hg19) VCF-style: chr9-3828329-C-G.
Other names: c.2736G>C, p.Gln912His (NM_001438906.1, NM_001438907.1, NM_001438908.1); c.2271G>C, p.Gln757His (NM_001438909.1, NM_152629.4); c.2070G>C, p.Gln690His (NM_001438911.1, NM_001438912.1); short protein forms Q912H, Q690H, Q757H.
Identifiers: ClinVar variation 4777905 (VCV004777905.1).